The following is an entry in ClinVar:

ClinVar aggregate classification (germline): Uncertain significance (1 of 4 stars; one submission).

Conditions:
Familial cold autoinflammatory syndrome 3 (FCAS3). Also called: ANTIBODY DEFICIENCY AND IMMUNE DYSREGULATION, PLCG2-ASSOCIATED; FAMILIAL ATYPICAL COLD URTICARIA. Identifiers: Orphanet 300359, MedGen C3280914, MONDO:0013766, OMIM 614468.

Submission:

Labcorp Genetics (formerly Invitae), Labcorp
Classification: Uncertain significance for Familial cold autoinflammatory syndrome 3. Last evaluated: 2021-07-04. Review status: criteria provided, single submitter. Criteria: Invitae Variant Classification Sherloc (09022015). Collection method: clinical testing. Allele origin: germline.
Comment: This sequence change creates a premature translational stop signal (p.Gly654Argfs*33) in the PLCG2 gene. It is expected to result in an absent or disrupted protein product. However, the current clinical and genetic evidence is not sufficient to establish whether loss-of-function variants in PLCG2 cause disease. This variant is not present in population databases (ExAC no frequency). This variant has not been reported in the literature in individuals affected with PLCG2-related conditions. Experimental studies and prediction algorithms are not available or were not evaluated, and the functional significance of this variant is currently unknown. In summary, the available evidence is currently insufficient to determine the role of this variant in disease. Therefore, it has been classified as a Variant of Uncertain Significance.

NM_002661.5(PLCG2):c.1960_1961del (p.Gly654fs)

Gene: PLCG2 (phospholipase C gamma 2; plus strand). Cytogenetic location: 16q23.3.
Variant type: Deletion.
Coding change: c.1960_1961del on transcript NM_002661.5 (MANE Select); coding-DNA positions 1960 to 1961, 2 bases deleted (GG; older notation c.1960_1961delGG).
Protein change: p.Gly654fs; shifts the reading frame from glycine 654.
Molecular consequence: frameshift variant.
Genome position (GRCh38, 1-based): chr16:81,912,622-81,912,623, GG deleted. VCF-style (leftmost placement, unchanged base first): chr16-81912621-CGG-C. GRCh37 (hg19) VCF-style: chr16-81946226-CGG-C.
Other names: short protein forms G654fs.
Identifiers: ClinVar variation 1379714 (VCV001379714.6), dbSNP rs2143663285, ClinGen allele CA2573152737.
Genomic context (GRCh38, chr16:81,912,621, plus strand): 5'-GCTCACCTGGTCGTTTTCCCTGGCCCTGTGCCGCAGGTGGTACTATGACAGCCTGAGCCG[CGG>C]AGAGGCAGAGGACATGCTGATGAGGATTCCCCGGGACGGGGCCTTCCTGATCCGGAAGCG-3'